The following is an entry in ClinVar:

ClinVar aggregate classification (germline): Likely pathogenic (1 of 4 stars; one submission).

Submission:

Labcorp Genetics (formerly Invitae), Labcorp
Classification: Likely pathogenic. Last evaluated: 2023-07-08. Review status: criteria provided, single submitter. Criteria: Invitae Variant Classification Sherloc (09022015). Collection method: clinical testing. Allele origin: germline.
Comment: In summary, the currently available evidence indicates that the variant is pathogenic, but additional data are needed to prove that conclusively. Therefore, this variant has been classified as Likely Pathogenic. Algorithms developed to predict the effect of sequence changes on RNA splicing suggest that this variant may disrupt the consensus splice site. This variant has not been reported in the literature in individuals affected with MYO15A-related conditions. This variant is not present in population databases (gnomAD no frequency). This sequence change affects an acceptor splice site in intron 48 of the MYO15A gene. It is expected to disrupt RNA splicing. Variants that disrupt the donor or acceptor splice site typically lead to a loss of protein function (PMID: 16199547), and loss-of-function variants in MYO15A are known to be pathogenic (PMID: 17546645).

Literature cited by the submitters: PubMed 16199547; PubMed 17546645.

NM_016239.4(MYO15A):c.8602-2A>G

Gene: MYO15A (myosin XVA; plus strand). Cytogenetic location: 17p11.2.
Variant type: single nucleotide variant.
Coding change: c.8602-2A>G on transcript NM_016239.4 (MANE Select); the canonical splice acceptor site of the intron before coding-DNA position 8602, A replaced by G.
Molecular consequence: splice acceptor variant.
Genome position (GRCh38, 1-based): chr17:18,156,952, A>G. VCF-style: chr17-18156952-A-G. GRCh37 (hg19) VCF-style: chr17-18060266-A-G.
Identifiers: ClinVar variation 2787817 (VCV002787817.3), dbSNP rs2545302808, ClinGen allele CA398628901.